The following is an entry in ClinVar:

NM_006415.4(SPTLC1):c.759del (p.Ile254fs)

Gene: SPTLC1 (serine palmitoyltransferase long chain base subunit 1; minus strand). Cytogenetic location: 9q22.31.
Variant type: Deletion.
Coding change: c.759del on transcript NM_006415.4 (MANE Select); coding-DNA position 759, one base deleted (T; older notation c.759delT).
Protein change: p.Ile254fs; shifts the reading frame from isoleucine 254.
Molecular consequence: frameshift variant.
Genome position (GRCh38, 1-based): chr9:92,055,426, A deleted on the plus strand (T on the coding strand, the reverse complement: SPTLC1 is on the minus strand). VCF-style (leftmost placement, unchanged base first): chr9-92055425-TA-T. GRCh37 (hg19) VCF-style: chr9-94817707-TA-T.
Other names: c.759del, p.Ile254fs (NM_001281303.2); c.393del, p.Ile132fs (NM_001368272.1); c.294del, p.Ile99fs (NM_001368273.1); short protein forms I99fs, I132fs, I254fs.
Identifiers: ClinVar variation 1759696 (VCV001759696.3), dbSNP rs1157107583, ClinGen allele CA589155645.
Genomic context (GRCh38, chr9:92,055,425, plus strand): 5'-AGTCCAAATATTAAAATTACAGCTGAACATGGTTGCTTACCAATTCTGGAAGAGGACAAA[TA>T]GTTCCAGTATTCATATACAATCCTTCTACTACAATGAAACGCCGAGTTACACGAGCCTTG-3'

ClinVar aggregate classification (germline): Uncertain significance. Review status: criteria provided, multiple submitters, no conflicts (2 of 4 stars). 2 submissions from 2 submitters: Uncertain significance (2). Last evaluated 2025-09-23.

Conditions:
Inborn genetic diseases. Identifiers: MedGen C0950123, MeSH D030342.
Hereditary sensory and autonomic neuropathy type 1 (HSAN1). Also called: HSAN 1; HSN Type I; Hereditary Sensory Neuropathy Type I. Identifiers: Orphanet 36386, MedGen C0020071, MONDO:0018213.

Allele frequency attached by ClinVar (database versions not stated): gnomAD exomes below 0.00001; gnomAD 0.00001.

Submissions (2):

Labcorp Genetics (formerly Invitae), Labcorp
Classification: Uncertain significance for Hereditary sensory and autonomic neuropathy type 1. Last evaluated: 2025-09-23. Review status: criteria provided, single submitter. Criteria: Invitae Variant Classification Sherloc (09022015). Collection method: clinical testing. Allele origin: germline.
Comment: This sequence change creates a premature translational stop signal (p.Ile254Phefs*10) in the SPTLC1 gene. It is expected to result in an absent or disrupted protein product. However, the current clinical and genetic evidence is not sufficient to establish whether loss-of-function variants in SPTLC1 cause disease. This variant is present in population databases (no rsID available, gnomAD 0.01%). This variant has not been reported in the literature in individuals affected with SPTLC1-related conditions. ClinVar contains an entry for this variant (Variation ID: 1759696). In summary, the available evidence is currently insufficient to determine the role of this variant in disease. Therefore, it has been classified as a Variant of Uncertain Significance.

Ambry Genetics
Classification: Uncertain significance for Inborn genetic diseases. Last evaluated: 2020-06-25. Review status: criteria provided, single submitter. Criteria: Ambry Variant Classification Scheme 2023. Collection method: clinical testing. Allele origin: germline.
Comment: The c.759delT variant, located in coding exon 8 of the SPTLC1 gene, results from a deletion of one nucleotide at nucleotide position 759, causing a translational frameshift with a predicted alternate stop codon (p.I254Ffs*10). This alteration is expected to result in premature protein truncation or nonsense-mediated mRNA decay. However, loss of function of SPTLC1 has not been clearly established as a mechanism of disease. Since supporting evidence is limited at this time, the clinical significance of this alteration remains unclear.